The following is an entry in ClinVar:

ClinVar aggregate classification (germline): Uncertain significance. Review status: criteria provided, multiple submitters, no conflicts (2 of 4 stars). 10 submissions from 10 submitters: Uncertain significance (9). 1 of the submissions does not count toward it. Last evaluated 2026-06-01.

Conditions:
CFTR-related disorder (CFTR-RD). Also called: CFTR-related disorders; CFTR-related condition. Identifiers: MedGen C5924204, MONDO:7770004.
Hereditary pancreatitis (PCTT). Also called: PRSS1-Related Hereditary Pancreatitis; Hereditary chronic pancreatitis. Identifiers: Orphanet 676, MedGen C0238339, MONDO:0008185, OMIM 167800.
Bronchiectasis with or without elevated sweat chloride 1 (BESC1). Also called: Cystic Fibrosis-Like Syndrome. Identifiers: Orphanet 60033, MedGen C2749757, MONDO:0008887, OMIM 211400.
Congenital bilateral aplasia of vas deferens from CFTR mutation (CBAVD). Identifiers: Orphanet 48, MedGen C0403814, MONDO:0010178, OMIM 277180. Disease mechanism: loss of function.
Cystic fibrosis (CF). Also called: MUCOVISCIDOSIS. Identifiers: Orphanet 586, MedGen C0010674, MONDO:0009061, OMIM 219700. Disease mechanism: loss of function.

Allele frequency attached by ClinVar (database versions not stated): gnomAD exomes 0.00010; TOPMed 0.00010; ExAC 0.00011; gnomAD 0.00013; 1000 Genomes Project 0.00020; 1000 Genomes Project 30x 0.00031.
gnomAD v4.1: 39 of 1,612,712 alleles (0.0024%); highest among the groups gnomAD compares: East Asian, 0.038%; no homozygotes.

Submissions (10):

Women's Health and Genetics/Laboratory Corporation of America, LabCorp
Classification: Uncertain significance. Last evaluated: 2026-06-01. Review status: criteria provided, single submitter. Criteria: LabCorp Variant Classification Summary - May 2015. Collection method: clinical testing. Allele origin: germline.
Comment: Variant summary: CFTR c.2552G>A (p.Arg851Gln) results in a conservative amino acid change in the encoded protein sequence. Algorithms developed to predict the effect of missense changes on protein structure and function are either unavailable or do not agree on the potential impact of this missense change. The variant allele was found at a frequency of 9.5e-05 in 251312 control chromosomes, predominantly at a frequency of 0.00092 within the East Asian subpopulation in the gnomAD database. This frequency is not significantly higher than estimated for disease-causing variants in CFTR, allowing no conclusion about variant significance. These report(s) do not provide unequivocal conclusions about association of the variant with disease. To our knowledge, no experimental evidence demonstrating an impact on protein function has been reported. The following publications have been ascertained in the context of this evaluation (PMID: 29997923, 32777524, 35913788, 34740355, 40065563). ClinVar contains an entry for this variant (Variation ID: 411119). Based on the evidence outlined above, the variant was classified as uncertain significance.

3billion
Classification: Uncertain significance for Cystic fibrosis. Last evaluated: 2025-09-24. Review status: criteria provided, single submitter. Criteria: ACMG Guidelines, 2015. Collection method: clinical testing. Allele origin: germline. Affected: yes.
Comment: The variant is observed at an extremely low frequency in the gnomAD v4.1.0 dataset (total allele frequency: 0.002%). Predicted Consequence/Location: Missense variant In silico tool predictions suggest damaging effect of the variant on gene or gene product [REVEL: 0.80 (>=0.6, sensitivity 0.68 and specificity 0.92)]. The same nucleotide change resulting in the same amino acid change has been previously reported to be associated with CFTR-related disorder (PMID: 32777524). A different missense change at the same codon (p.Arg851Leu) has been reported to be associated with CFTR-related disorder (ClinVar ID: VCV000053511 /PMID: 9439669). However the evidence of pathogenicity is insufficient at this time. Therefore, this variant is classified as VUS according to the recommendation of ACMG/AMP guideline.

PreventionGenetics, part of Exact Sciences
Classification: Uncertain significance for CFTR-related condition. Last evaluated: 2025-02-07. Review status: criteria provided, single submitter. Criteria: ACMG Guidelines, 2015. Collection method: clinical testing. Allele origin: germline.
Comment: The CFTR c.2552G>A variant is predicted to result in the amino acid substitution p.Arg851Gln. This variant was reported in an individual with congenital absence of vas deferens (Luo. 2021. PubMed ID: 32777524). This variant is reported in 0.095% of alleles in individuals of East Asian descent in gnomAD. At this time, the clinical significance of this variant is uncertain due to the absence of conclusive functional and genetic evidence.

Labcorp Genetics (formerly Invitae), Labcorp
Classification: Uncertain significance for Cystic fibrosis. Last evaluated: 2024-12-19. Review status: criteria provided, single submitter. Criteria: Invitae Variant Classification Sherloc (09022015). Collection method: clinical testing. Allele origin: germline.
Comment: This sequence change replaces arginine, which is basic and polar, with glutamine, which is neutral and polar, at codon 851 of the CFTR protein (p.Arg851Gln). This variant is present in population databases (rs397508395, gnomAD 0.09%). This missense change has been observed in individual(s) with congenital absence of the vas deferens (PMID: 32777524). ClinVar contains an entry for this variant (Variation ID: 411119). Invitae Evidence Modeling of protein sequence and biophysical properties (such as structural, functional, and spatial information, amino acid conservation, physicochemical variation, residue mobility, and thermodynamic stability) indicates that this missense variant is expected to disrupt CFTR protein function with a positive predictive value of 80%. In summary, the available evidence is currently insufficient to determine the role of this variant in disease. Therefore, it has been classified as a Variant of Uncertain Significance.

Ambry Genetics
Classification: Uncertain significance for Cystic fibrosis. Last evaluated: 2024-01-31. Review status: criteria provided, single submitter. Criteria: Ambry Variant Classification Scheme 2023. Collection method: clinical testing. Allele origin: germline.
Comment: The p.R851Q variant (also known as c.2552G>A), located in coding exon 15 of the CFTR gene, results from a G to A substitution at nucleotide position 2552. The arginine at codon 851 is replaced by glutamine, an amino acid with highly similar properties. This variant was reported in one healthy control subject from a bronchiectasis cohort (Guan WJ et al. J Thorac Dis, 2018 May;10:2618-2630). This amino acid position is highly conserved in available vertebrate species. In addition, this alteration is predicted to be deleterious by in silico analysis. Based on the available evidence, the clinical significance of this alteration remains unclear.

Genome-Nilou Lab
Classification: Uncertain significance for Cystic fibrosis. Last evaluated: 2021-09-05. Review status: criteria provided, single submitter. Criteria: ACMG Guidelines, 2015. Collection method: clinical testing. Allele origin: germline. Affected: no.

Fulgent Genetics
Classification: Uncertain significance for Hereditary pancreatitis; Bronchiectasis with or without elevated sweat chloride 1; Cystic fibrosis; Congenital bilateral aplasia of vas deferens from CFTR mutation. Last evaluated: 2021-08-06. Review status: criteria provided, single submitter. Criteria: ACMG Guidelines, 2015. Collection method: clinical testing. Allele origin: unknown.

NxGen MDx
Classification: Uncertain significance for Cystic fibrosis. Last evaluated: 2020-01-15. Review status: criteria provided, single submitter. Criteria: ACMG Guidelines, 2015. Collection method: clinical testing. Allele origin: unknown.
Comment: This variant (c.2552G>A) in exon 15 of CFTR results in p.Arg851Gln, transitioning from a polar side chain to a positively charged residue of similar size. This variant is present in gnomAD exomes and genomes at a very low allele frequency (PM2). Computational algorithms have generated pathogenic predictions for this variant (PP3). Additionally, this variant was reported in cis with c.2083dupG in 3 patients in 2 studies (Wu et al. PMID 10925568; Alper et al. PMID 12874665) and later observed by itself in a healthy adult (Guan et al. PMID 29997923). We interpret c.2552G>A to have uncertain significance.

ARUP Laboratories, Molecular Genetics and Genomics, ARUP Laboratories
Classification: Uncertain significance. Last evaluated: 2017-11-15. Review status: criteria provided, single submitter. Criteria: ARUP Molecular Germline Variant Investigation Process. Collection method: clinical testing. Allele origin: germline.

Natera, Inc.
Classification: Uncertain significance for CFTR-related disorders. Last evaluated: 2018-05-07. Review status: no assertion criteria provided. Collection method: clinical testing. Allele origin: germline. Not counted in ClinVar's aggregate classification.

Literature cited by the submitters: PubMed 29997923 (cited by 3 submitters); PubMed 32777524 (cited by 3 submitters); PubMed 35913788 (cited by Women's Health and Genetics/Laboratory Corporation of America, LabCorp); PubMed 34740355 (cited by Women's Health and Genetics/Laboratory Corporation of America, LabCorp); PubMed 40065563 (cited by Women's Health and Genetics/Laboratory Corporation of America, LabCorp); PubMed 9439669 (cited by 3billion); PubMed 30019023 (cited by Ambry Genetics); PubMed 12874665 (cited by NxGen MDx); PubMed 10925568 (cited by NxGen MDx).

NM_000492.4(CFTR):c.2552G>A (p.Arg851Gln)

Gene: CFTR (CF transmembrane conductance regulator; plus strand). Cytogenetic location: 7q31.2.
Variant type: single nucleotide variant.
Coding change: c.2552G>A on transcript NM_000492.4 (MANE Select); coding-DNA position 2552, G replaced by A.
Protein change: p.Arg851Gln; replaces arginine 851 with glutamine.
Molecular consequence: missense variant.
Genome position (GRCh38, 1-based): chr7:117,594,991, G>A. VCF-style: chr7-117594991-G-A. GRCh37 (hg19) VCF-style: chr7-117235045-G-A.
Other names: short protein forms R851Q.
Identifiers: ClinVar variation 411119 (VCV000411119.29), dbSNP rs397508395, ClinGen allele CA4451222.
Genomic context (GRCh38, chr7:117,594,991, plus strand): 5'-AGTGCTTTTTTGATGATATGGAGAGCATACCAGCAGTGACTACATGGAACACATACCTTC[G>A]ATATATTACTGTCCACAAGAGCTTAATTTTTGTGCTAATTTGGTGCTTAGTAATTTTTCT-3'
Protein context (NP_000483.3, residues 841-861): PAVTTWNTYL[Arg851Gln]YITVHKSLIF